The following is an entry in ClinVar:

ClinVar aggregate classification (germline): Uncertain significance (1 of 4 stars; one submission).

Conditions:
Pyridoxine-dependent epilepsy (EPEO4). Also called: Pyridoxine-Dependent Epilepsy - ALDH7A1; PYRIDOXINE DEPENDENCY WITH SEIZURES; EPILEPSY, EARLY-ONSET, 4, VITAMIN B6-DEPENDENT; Pyridoxine-Dependent Seizures. Identifiers: Orphanet 3006, MedGen C1849508, MONDO:0009945, OMIM 266100. Disease mechanism: loss of function.

Submission:

Labcorp Genetics (formerly Invitae), Labcorp
Classification: Uncertain significance for Pyridoxine-dependent epilepsy. Last evaluated: 2022-07-19. Review status: criteria provided, single submitter. Criteria: Invitae Variant Classification Sherloc (09022015). Collection method: clinical testing. Allele origin: germline.
Comment: In summary, the available evidence is currently insufficient to determine the role of this variant in disease. Therefore, it has been classified as a Variant of Uncertain Significance. Advanced modeling of protein sequence and biophysical properties (such as structural, functional, and spatial information, amino acid conservation, physicochemical variation, residue mobility, and thermodynamic stability) performed at Invitae indicates that this missense variant is expected to disrupt ALDH7A1 protein function. ClinVar contains an entry for this variant (Variation ID: 1425446). This variant has not been reported in the literature in individuals affected with ALDH7A1-related conditions. This variant is not present in population databases (gnomAD no frequency). This sequence change replaces proline, which is neutral and non-polar, with threonine, which is neutral and polar, at codon 362 of the ALDH7A1 protein (p.Pro362Thr).

NM_001182.5(ALDH7A1):c.1084C>A (p.Pro362Thr)

Gene: ALDH7A1 (aldehyde dehydrogenase 7 family member A1; minus strand). Cytogenetic location: 5q23.2.
Variant type: single nucleotide variant.
Coding change: c.1084C>A on transcript NM_001182.5 (MANE Select); coding-DNA position 1084, C replaced by A.
Protein change: p.Pro362Thr; replaces proline 362 with threonine.
Molecular consequence: missense variant. On other transcripts: intron variant (1).
Genome position (GRCh38, 1-based): chr5:126,555,940, G>T on the plus strand (C>A on the coding strand, the complement: ALDH7A1 is on the minus strand). VCF-style: chr5-126555940-G-T. GRCh37 (hg19) VCF-style: chr5-125891632-G-T.
Other names: c.1000C>A, p.Pro334Thr (NM_001201377.2); c.1008+3300C>A (NM_001202404.2); short protein forms P334T, P362T.
Identifiers: ClinVar variation 1425446 (VCV001425446.8), dbSNP rs532800318, ClinGen allele CA360724593.
Genomic context (GRCh38, chr5:126,555,940, plus strand): 5'-AACAACAGCTCTCAAAAAGGGATCGCTTTGAAAGCAGAAGGAGATACTCACGGTCCCATG[G>T]GTTCCCAACTCGGATCTGTGCATAGGCCTTTTTAAGTCTGTTTACAACCTCATCATGGAT-3'
Protein context (NP_001173.2, residues 352-372): KAYAQIRVGN[Pro362Thr]WDPNVLYGPL